The following is an entry in ClinVar:

NM_053025.4(MYLK):c.2609G>A (p.Arg870Gln)

Gene: MYLK (myosin light chain kinase; minus strand). Cytogenetic location: 3q21.1.
Variant type: single nucleotide variant.
Coding change: c.2609G>A on transcript NM_053025.4 (MANE Select); coding-DNA position 2609, G replaced by A.
Protein change: p.Arg870Gln; replaces arginine 870 with glutamine.
Molecular consequence: missense variant.
Genome position (GRCh38, 1-based): chr3:123,700,859, C>T on the plus strand (G>A on the coding strand, the complement: MYLK is on the minus strand). VCF-style: chr3-123700859-C-T. GRCh37 (hg19) VCF-style: chr3-123419706-C-T.
Other names: c.2609G>A (NM_053025.3); c.2081G>A, p.Arg694Gln (NM_001321309.2); c.2402G>A, p.Arg801Gln (NM_053026.4, NM_053028.4); c.2609G>A, p.Arg870Gln (NM_053027.4); short protein forms R870Q, R694Q, R801Q.
Identifiers: ClinVar variation 1944130 (VCV001944130.6), dbSNP rs868374041, ClinGen allele CA82925480.

ClinVar aggregate classification (germline): Uncertain significance. Review status: criteria provided, multiple submitters, no conflicts (2 of 4 stars). 3 submissions from 3 submitters: Uncertain significance (3). Last evaluated 2025-02-13.

Conditions:
Familial thoracic aortic aneurysm and aortic dissection (TAAD). Also called: Thoracic aortic aneurysms and dissections. Identifiers: Orphanet 91387, MedGen C4707243, MONDO:0019625.
Aortic aneurysm, familial thoracic 7 (AAT7). Also called: AORTIC DISSECTION, FAMILIAL, WITH OR WITHOUT AORTIC ANEURYSM. Identifiers: MedGen C3151077, MONDO:0013418, OMIM 613780.

Allele frequency attached by ClinVar (database versions not stated): gnomAD 0.00001; gnomAD exomes 0.00001.
gnomAD v4.1: 12 of 1,613,628 alleles (0.00074%); highest among the groups gnomAD compares: South Asian, 0.0033%; no homozygotes.

Submissions (3):

Labcorp Genetics (formerly Invitae), Labcorp
Classification: Uncertain significance for Aortic aneurysm, familial thoracic 7. Last evaluated: 2025-02-13. Review status: criteria provided, single submitter. Criteria: Invitae Variant Classification Sherloc (09022015). Collection method: clinical testing. Allele origin: germline.
Comment: This sequence change replaces arginine, which is basic and polar, with glutamine, which is neutral and polar, at codon 870 of the MYLK protein (p.Arg870Gln). This variant is present in population databases (no rsID available, gnomAD 0.0009%). This variant has not been reported in the literature in individuals affected with MYLK-related conditions. ClinVar contains an entry for this variant (Variation ID: 1944130). Invitae Evidence Modeling of protein sequence and biophysical properties (such as structural, functional, and spatial information, amino acid conservation, physicochemical variation, residue mobility, and thermodynamic stability) indicates that this missense variant is not expected to disrupt MYLK protein function with a negative predictive value of 80%. In summary, the available evidence is currently insufficient to determine the role of this variant in disease. Therefore, it has been classified as a Variant of Uncertain Significance.

Blueprint Genetics
Classification: Uncertain significance. Last evaluated: 2023-12-20. Review status: criteria provided, single submitter. Criteria: ACMG Guidelines, 2015. Collection method: clinical testing. Allele origin: germline.

Ambry Genetics
Classification: Uncertain significance for Familial thoracic aortic aneurysm and aortic dissection. Last evaluated: 2023-01-16. Review status: criteria provided, single submitter. Criteria: Ambry Variant Classification Scheme 2023. Collection method: clinical testing. Allele origin: germline.
Comment: The p.R870Q variant (also known as c.2609G>A), located in coding exon 15 of the MYLK gene, results from a G to A substitution at nucleotide position 2609. The arginine at codon 870 is replaced by glutamine, an amino acid with highly similar properties. This amino acid position is conserved. In addition, the in silico prediction for this alteration is inconclusive. Since supporting evidence is limited at this time, the clinical significance of this alteration remains unclear.